The following is an entry in ClinVar:

NM_001457.4(FLNB):c.3515C>T (p.Ser1172Leu)

Gene: FLNB (filamin B; plus strand). Cytogenetic location: 3p14.3.
Variant type: single nucleotide variant.
Coding change: c.3515C>T on transcript NM_001457.4 (MANE Select); coding-DNA position 3515, C replaced by T.
Protein change: p.Ser1172Leu; replaces serine 1172 with leucine.
Molecular consequence: missense variant.
Genome position (GRCh38, 1-based): chr3:58,123,481, C>T. VCF-style: chr3-58123481-C-T. GRCh37 (hg19) VCF-style: chr3-58109208-C-T.
Other names: c.3515C>T, p.Ser1172Leu (NM_001164317.2, NM_001164318.2, NM_001164319.2); short protein forms S1172L.
Identifiers: ClinVar variation 346332 (VCV000346332.10), dbSNP rs758399938, ClinGen allele CA2468432.

ClinVar aggregate classification (germline): Uncertain significance. Review status: criteria provided, multiple submitters, no conflicts (2 of 4 stars). 3 submissions from 3 submitters: Uncertain significance (3). Last evaluated 2025-08-20.

Conditions:
Inborn genetic diseases. Identifiers: MedGen C0950123, MeSH D030342.
FLNB-Related Spectrum Disorders.

Allele frequency attached by ClinVar (database versions not stated): ExAC 0.00001; gnomAD exomes 0.00002 and 0.00007; gnomAD 0.00004.
gnomAD v4.1: 108 of 1,604,456 alleles (0.0067%); highest among the groups gnomAD compares: Middle Eastern, 0.017%; 1 homozygote.

Submissions (3):

Labcorp Genetics (formerly Invitae), Labcorp
Classification: Uncertain significance. Last evaluated: 2025-08-20. Review status: criteria provided, single submitter. Criteria: Invitae Variant Classification Sherloc (09022015). Collection method: clinical testing. Allele origin: germline.
Comment: This sequence change replaces serine, which is neutral and polar, with leucine, which is neutral and non-polar, at codon 1172 of the FLNB protein (p.Ser1172Leu). This variant is present in population databases (rs758399938, gnomAD 0.004%). This variant has not been reported in the literature in individuals affected with FLNB-related conditions. ClinVar contains an entry for this variant (Variation ID: 346332). Invitae Evidence Modeling of protein sequence and biophysical properties (such as structural, functional, and spatial information, amino acid conservation, physicochemical variation, residue mobility, and thermodynamic stability) indicates that this missense variant is not expected to disrupt FLNB protein function with a negative predictive value of 95%. In summary, the available evidence is currently insufficient to determine the role of this variant in disease. Therefore, it has been classified as a Variant of Uncertain Significance.

Ambry Genetics
Classification: Uncertain significance for Inborn genetic diseases. Last evaluated: 2024-12-12. Review status: criteria provided, single submitter. Criteria: Ambry Variant Classification Scheme 2023. Collection method: clinical testing. Allele origin: germline.

Illumina Laboratory Services, Illumina
Classification: Uncertain significance for FLNB-Related Spectrum Disorders. Last evaluated: 2018-01-12. Review status: criteria provided, single submitter. Criteria: ICSL Variant Classification Criteria 13 December 2019. Collection method: clinical testing. Allele origin: germline.